The following is an entry in ClinVar:

ClinVar aggregate classification (germline): Uncertain significance (1 of 4 stars; one submission).

Conditions:
Hereditary cancer-predisposing syndrome. Also called: Neoplastic Syndromes, Hereditary; Hereditary Cancer Syndrome; Tumor predisposition; Hereditary neoplastic syndrome. Identifiers: Orphanet 140162, MedGen C0027672, MeSH D009386, MONDO:0015356.

Submission:

Ambry Genetics
Classification: Uncertain significance for Hereditary cancer-predisposing syndrome. Last evaluated: 2025-02-15. Review status: criteria provided, single submitter. Criteria: Ambry Variant Classification Scheme 2023. Collection method: clinical testing. Allele origin: germline.
Comment: The p.P20A variant (also known as c.58C>G), located in coding exon 1 of the RET gene, results from a C to G substitution at nucleotide position 58. The proline at codon 20 is replaced by alanine, an amino acid with highly similar properties. This amino acid position is conserved. In addition, the in silico prediction for this alteration is inconclusive. Based on the available evidence, the clinical significance of this variant remains unclear.

NM_020975.6(RET):c.58C>G (p.Pro20Ala)

Gene: RET (ret proto-oncogene; plus strand). Cytogenetic location: 10q11.21.
Variant type: single nucleotide variant.
Coding change: c.58C>G on transcript NM_020975.6 (MANE Select); coding-DNA position 58, C replaced by G.
Protein change: p.Pro20Ala; replaces proline 20 with alanine.
Molecular consequence: missense variant.
Genome position (GRCh38, 1-based): chr10:43,077,316, C>G. VCF-style: chr10-43077316-C-G. GRCh37 (hg19) VCF-style: chr10-43572764-C-G.
Other names: c.58C>G, p.Pro20Ala (NM_001406787.1, NM_001406788.1, NM_001406789.1 and 36 more transcripts); short protein forms P20A.
Identifiers: ClinVar variation 3788345 (VCV003788345.1).